The following is an entry in ClinVar:

NM_001330260.2(SCN8A):c.5037G>C (p.Glu1679Asp)

Gene: SCN8A (sodium voltage-gated channel alpha subunit 8; plus strand). Cytogenetic location: 12q13.13.
Variant type: single nucleotide variant.
Coding change: c.5037G>C on transcript NM_001330260.2 (MANE Select); coding-DNA position 5037, G replaced by C.
Protein change: p.Glu1679Asp; replaces glutamic acid 1679 with aspartic acid.
Molecular consequence: missense variant.
Genome position (GRCh38, 1-based): chr12:51,806,523, G>C. VCF-style: chr12-51806523-G-C. GRCh37 (hg19) VCF-style: chr12-52200307-G-C.
Other names: c.4914G>C, p.Glu1638Asp (NM_001177984.3, NM_001369788.1); c.5037G>C, p.Glu1679Asp (NM_014191.4); short protein forms E1638D, E1679D.
Identifiers: ClinVar variation 4874868 (VCV004874868.2).

ClinVar aggregate classification (germline): Uncertain significance (1 of 4 stars; one submission).

Submission:

CeGaT Center for Human Genetics Tuebingen
Classification: Uncertain significance. Last evaluated: 2026-04-01. Review status: criteria provided, single submitter. Criteria: CeGaT Center For Human Genetics Tuebingen Variant Classification Criteria Version 2. Collection method: clinical testing. Allele origin: germline. Affected: yes. Observed: 1 variant allele.
Comment: SCN8A: PM2, PP2, PP3